The following is an entry in ClinVar:

NM_004484.4(GPC3):c.1231A>C (p.Ser411Arg)

Gene: GPC3 (glypican 3; minus strand). Cytogenetic location: Xq26.2.
Variant type: single nucleotide variant.
Coding change: c.1231A>C on transcript NM_004484.4 (MANE Select); coding-DNA position 1231, A replaced by C.
Protein change: p.Ser411Arg; replaces serine 411 with arginine.
Molecular consequence: missense variant.
Genome position (GRCh38, 1-based): chrX:133,692,430, T>G on the plus strand (A>C on the coding strand, the complement: GPC3 is on the minus strand). VCF-style: chrX-133692430-T-G. GRCh37 (hg19) VCF-style: chrX-132826458-T-G.
Other names: c.1300A>C, p.Ser434Arg (NM_001164617.2); c.1183A>C, p.Ser395Arg (NM_001164618.2); c.1069A>C, p.Ser357Arg (NM_001164619.2); short protein forms S434R, S411R, S395R, S357R.
Identifiers: ClinVar variation 1366840 (VCV001366840.6), dbSNP rs2124430814, ClinGen allele CA414705548.

ClinVar aggregate classification (germline): Uncertain significance (1 of 4 stars; one submission).

Conditions:
Wilms tumor 1 (WT1). Also called: Wilms tumor, somatic. Identifiers: Orphanet 654, MedGen CN033288, MONDO:0008679, OMIM 194070.

Submission:

Labcorp Genetics (formerly Invitae), Labcorp
Classification: Uncertain significance for Wilms tumor 1. Last evaluated: 2021-11-08. Review status: criteria provided, single submitter. Criteria: Invitae Variant Classification Sherloc (09022015). Collection method: clinical testing. Allele origin: germline.
Comment: In summary, the available evidence is currently insufficient to determine the role of this variant in disease. Therefore, it has been classified as a Variant of Uncertain Significance. Algorithms developed to predict the effect of missense changes on protein structure and function (SIFT, PolyPhen-2, Align-GVGD) all suggest that this variant is likely to be tolerated. This variant has not been reported in the literature in individuals affected with GPC3-related conditions. This variant is not present in population databases (gnomAD no frequency). This sequence change replaces serine, which is neutral and polar, with arginine, which is basic and polar, at codon 411 of the GPC3 protein (p.Ser411Arg).